The following is an entry in ClinVar:

NM_016616.5(NME8):c.749A>G (p.Glu250Gly)

Gene: NME8 (NME/NM23 family member 8; plus strand). Cytogenetic location: 7p14.1.
Variant type: single nucleotide variant.
Coding change: c.749A>G on transcript NM_016616.5 (MANE Select); coding-DNA position 749, A replaced by G.
Protein change: p.Glu250Gly; replaces glutamic acid 250 with glycine.
Molecular consequence: missense variant.
Genome position (GRCh38, 1-based): chr7:37,867,829, A>G. VCF-style: chr7-37867829-A-G. GRCh37 (hg19) VCF-style: chr7-37907431-A-G.
Other names: short protein forms E250G.
Identifiers: ClinVar variation 468996 (VCV000468996.8), dbSNP rs1554363589, ClinGen allele CA367223008.

ClinVar aggregate classification (germline): Uncertain significance (1 of 4 stars; one submission).

Conditions:
Primary ciliary dyskinesia 6. Also called: Primary Ciliary Dyskinesia 6: TXNDC3-Related Primary Ciliary Dyskinesia. Identifiers: Orphanet 244, MedGen C1970506, MONDO:0012571, OMIM 610852.

Allele frequency attached by ClinVar (database versions not stated): gnomAD exomes below 0.00001.
gnomAD v4.1: 1 of 1,613,928 alleles (0.000062%); no homozygotes.

Submission:

Labcorp Genetics (formerly Invitae), Labcorp
Classification: Uncertain significance for Primary ciliary dyskinesia 6. Last evaluated: 2017-07-19. Review status: criteria provided, single submitter. Criteria: Invitae Variant Classification Sherloc (09022015). Collection method: clinical testing. Allele origin: germline.
Comment: In summary, the available evidence is currently insufficient to determine the role of this variant in disease. Therefore, it has been classified as a Variant of Uncertain Significance. Algorithms developed to predict the effect of missense changes on protein structure and function output the following: SIFT: "Tolerated"; PolyPhen-2: "Benign"; Align-GVGD: "Class C0". The glycine amino acid residue is found in multiple mammalian species, suggesting that this missense change does not adversely affect protein function. These predictions have not been confirmed by published functional studies and their clinical significance is uncertain. This variant has not been reported in the literature in individuals with NME8-related disease. This variant is not present in population databases (ExAC no frequency). This sequence change replaces glutamic acid with glycine at codon 250 of the NME8 protein (p.Glu250Gly). The glutamic acid residue is weakly conserved and there is a moderate physicochemical difference between glutamic acid and glycine.